The following is an entry in ClinVar:

ClinVar aggregate classification (germline): Pathogenic. Review status: reviewed by expert panel (3 of 4 stars). 3 submissions from 3 submitters: Pathogenic (1). 2 of the submissions do not count toward it. Last evaluated 2024-06-11.

Conditions:
BRCA1-related cancer predisposition. Identifiers: MedGen CN377757, MONDO:0700268.
Breast-ovarian cancer, familial, susceptibility to, 1 (BROVCA1). Also called: BRCA1 Hereditary Breast and Ovarian Cancer; OVARIAN CANCER, SUSCEPTIBILITY TO. Identifiers: Orphanet 145, MedGen C2676676, MONDO:0011450, OMIM 604370. Disease mechanism: loss of function.

Submissions (3):

ClinGen ENIGMA BRCA1 and BRCA2 Variant Curation Expert Panel, ClinGen
Classification: Pathogenic for BRCA1-related cancer predisposition. Last evaluated: 2024-06-11. Review status: reviewed by expert panel. Criteria: CSpec BRCA1/2ACMG Rules Specifications V1.0. Collection method: curation. Allele origin: germline. Inheritance: Autosomal dominant inheritance.
Comment: The c.4186-1787_4358-1668dup variant in BRCA1 is a large duplication variant. This variant has been previously reported as a duplication of exon 13 (legacy exon numbering, PMID: 10827109), c.4186-?_4357+?dup (uncharacterized breakpoints), BRCA1 ~6kb dup (PMID: 9915971), c.4186-1787_4357+4122dup (PMID: 29446198) and c.4186-1832_4358-1634dup (PMID: 30054569). This duplication variant was not observed in gnomAD v2.1 (exomes only, non-cancer subset) or gnomAD v3.1 (non-cancer subset), but PM2_Supporting was not applied since recall is suboptimal for this type of variant (PM2_Supporting not met). Confirmed tandem duplication of exon 12 is predicted to cause a premature stop codon in inserted biologically-relevant-exon 12 leading to nonsense mediated decay (PVS1 met). The ENIGMA BRCA1/2 VCEP considered multiple lines of functional and clinical evidence to define exon-specific weights for PTCs in BRCA1, and results indicate that strong evidence towards pathogenicity may be applied for a PTC variant in BRCA1 exon 12 (PM5_Strong (PTC)). In summary, this variant meets the criteria to be classified as a Pathogenic variant for BRCA1-related cancer predisposition based on the ACMG/AMP criteria applied as specified by the ENIGMA BRCA1/2 VCEP (PVS1, PM5_Strong (PTC)).

Consortium of Investigators of Modifiers of BRCA1/2 (CIMBA), c/o University of Cambridge
Classification: Pathogenic for Breast-ovarian cancer, familial, susceptibility to, 1. Last evaluated: 2015-10-02. Review status: criteria provided, single submitter. Criteria: CIMBA Mutation Classification guidelines May 2016. Collection method: clinical testing. Allele origin: germline. Not counted in ClinVar's aggregate classification.

BRCAlab, Lund University
Classification: Pathogenic for Breast-ovarian cancer, familial, susceptibility to, 1. Last evaluated: 2022-08-26. Review status: no assertion criteria provided. Collection method: clinical testing. Allele origin: germline. Affected: yes. Not counted in ClinVar's aggregate classification.

NM_007294.4(BRCA1):c.4186-1787_4358-1668dup

Gene: BRCA1 (BRCA1 DNA repair associated; minus strand). Cytogenetic location: 17q21.31.
Variant type: Duplication.
Coding change: c.4186-1787_4358-1668dup on transcript NM_007294.4 (MANE Select); 1787 bases into the intron before coding-DNA position 4186 through 1668 bases into the intron before coding-DNA position 4358, 6,081 bases duplicated.
Molecular consequence: splice acceptor variant, splice donor variant.
Genome position (GRCh38, 1-based): chr17:43,078,282-43,084,362, 6,081 bases duplicated. GRCh37 (hg19): chr17:41,230,322-41,236,402.
Other names: c.736-1787_908-1671dup (NM_001408458.1, NM_001408461.1, NM_001408459.1 and 1 more transcripts); c.3298-1787_3470-1671dup (NM_001407967.1); c.3805-1787_3977-1668dup (NM_001407959.1); c.3919-1787_4091-1668dup (NM_001407931.1, NM_001407932.1, NM_001407930.1); c.4042-1787_4214-1668dup (NM_001407747.1, NM_001407745.1, NM_001407746.1 and 8 more transcripts); c.3802-1787_3974-1668dup (NM_001407962.1); c.373-1787_545-1668dup (NM_001408512.1); c.496-1787_668-1668dup (NM_001408510.1); and 118 more.
Identifiers: ClinVar variation 267530 (VCV000267530.26).